The following is an entry in ClinVar:

NM_002472.3(MYH8):c.847G>T (p.Glu283Ter)

Genes: MYH8 (myosin heavy chain 8; minus strand), MYHAS (myosin heavy chain gene cluster antisense RNA; plus strand). Cytogenetic location: 17p13.1.
Variant type: single nucleotide variant.
Coding change: c.847G>T on transcript NM_002472.3 (MANE Select); coding-DNA position 847, G replaced by T.
Protein change: p.Glu283Ter; replaces glutamic acid 283 with a stop codon.
Molecular consequence: nonsense.
Genome position (GRCh38, 1-based): chr17:10,414,443, C>A on the plus strand (G>T on the coding strand, the complement: MYH8 is on the minus strand). VCF-style: chr17-10414443-C-A. GRCh37 (hg19) VCF-style: chr17-10317760-C-A.
Other names: short protein forms E283*.
Identifiers: ClinVar variation 3898975 (VCV003898975.1).
Genomic context (GRCh38, chr17:10,414,443, plus strand): 5'-TACCAATTAGATCTGGCTTCTTATTGGAAGTGATCTGATAAAAAATATGGTAGCTTCTTT[C>A]CGCCTTTAGCTGGAAAGTAACTCTGGACTTTTCTAAAAGATCTGGAGAGGGAAATAGATA-3'

ClinVar aggregate classification (germline): Uncertain significance (1 of 4 stars; one submission).

Submission:

GeneDx
Classification: Uncertain significance. Last evaluated: 2024-11-08. Review status: criteria provided, single submitter. Criteria: GeneDx Variant Classification Process June 2021. Collection method: clinical testing. Allele origin: germline. Affected: yes.
Comment: Not observed at significant frequency in large population cohorts (gnomAD); Nonsense variant predicted to result in protein truncation or nonsense mediated decay in a gene or region of a gene for which loss of function is not a well-established mechanism of disease; Has not been previously published as pathogenic or benign to our knowledge